The following is an entry in ClinVar:

ClinVar aggregate classification (germline): Uncertain significance (1 of 4 stars; one submission).

Allele frequency attached by ClinVar (database versions not stated): ESP Exome Variant Server 0.00008.

Submission:

Labcorp Genetics (formerly Invitae), Labcorp
Classification: Uncertain significance. Last evaluated: 2025-05-22. Review status: criteria provided, single submitter. Criteria: Invitae Variant Classification Sherloc (09022015). Collection method: clinical testing. Allele origin: germline.
Comment: This sequence change replaces aspartic acid, which is acidic and polar, with histidine, which is basic and polar, at codon 499 of the TWNK protein (p.Asp499His). This variant is present in population databases (rs371334193, gnomAD 0.002%). This variant has not been reported in the literature in individuals affected with TWNK-related conditions. ClinVar contains an entry for this variant (Variation ID: 3003385). Invitae Evidence Modeling of protein sequence and biophysical properties (such as structural, functional, and spatial information, amino acid conservation, physicochemical variation, residue mobility, and thermodynamic stability) indicates that this missense variant is expected to disrupt TWNK protein function with a positive predictive value of 95%. In summary, the available evidence is currently insufficient to determine the role of this variant in disease. Therefore, it has been classified as a Variant of Uncertain Significance.

NM_021830.5(TWNK):c.1495G>C (p.Asp499His)

Gene: TWNK (twinkle mtDNA helicase; plus strand). Cytogenetic location: 10q24.31.
Variant type: single nucleotide variant.
Coding change: c.1495G>C on transcript NM_021830.5 (MANE Select); coding-DNA position 1495, G replaced by C.
Protein change: p.Asp499His; replaces aspartic acid 499 with histidine.
Molecular consequence: missense variant. On other transcripts: non-coding transcript variant (5).
Genome position (GRCh38, 1-based): chr10:100,990,446, G>C. VCF-style: chr10-100990446-G-C. GRCh37 (hg19) VCF-style: chr10-102750203-G-C.
Other names: c.1495G>C, p.Asp499His (NM_001163812.2); c.133G>C, p.Asp45His (NM_001163813.2, NM_001163814.2, NM_001368275.1); short protein forms D45H, D499H.
Identifiers: ClinVar variation 3003385 (VCV003003385.2), dbSNP rs371334193, ClinGen allele CA5653256.